The following is an entry in ClinVar:

NM_130837.3(OPA1):c.542A>G (p.Asp181Gly)

Gene: OPA1 (OPA1 mitochondrial dynamin like GTPase; plus strand). Cytogenetic location: 3q29.
Variant type: single nucleotide variant.
Coding change: c.542A>G on transcript NM_130837.3 (MANE Select); coding-DNA position 542, A replaced by G.
Protein change: p.Asp181Gly; replaces aspartic acid 181 with glycine.
Molecular consequence: missense variant. On other transcripts: intron variant (5).
Genome position (GRCh38, 1-based): chr3:193,617,271, A>G. VCF-style: chr3-193617271-A-G. GRCh37 (hg19) VCF-style: chr3-193335060-A-G.
Other names: c.170A>G, p.Asp57Gly (NM_001354664.2); c.542A>G, p.Asp181Gly (NM_015560.3, NM_130834.3, NM_130836.3); c.76+1501A>G (NM_001354663.2); c.449-513A>G (NM_130835.3, NM_130832.3); c.448+1501A>G (NM_130833.3, NM_130831.3); short protein forms D181G, D57G.
Identifiers: ClinVar variation 451942 (VCV000451942.2), dbSNP rs138884045, ClinGen allele CA2759040.
Genomic context (GRCh38, chr3:193,617,271, plus strand): 5'-ACCTTGTAAAGTTAGCACCAGACTTTGACAAGATTGTTGAAAGCCTTAGCTTATTGAAGG[A>G]CTTTTTTACCTCAGGTAAGGAAGAAGCTGTTTGATCTAATTTAAAAATTTAAGAACCATG-3'
Protein context (NP_570850.2, residues 171-191): KIVESLSLLK[Asp181Gly]FFTSGHKLVS

ClinVar aggregate classification (germline): Uncertain significance (1 of 4 stars; one submission).

Allele frequency attached by ClinVar (database versions not stated): gnomAD exomes below 0.00001; TOPMed 0.00001 and below 0.00001; gnomAD 0.00003 and 0.00001; ESP Exome Variant Server 0.00008; ExAC 0.00001.
gnomAD v4.1: 2 of 1,605,954 alleles (0.00012%); highest among the groups gnomAD compares: Non-Finnish European, 0.00017%; no homozygotes.

Submission:

GeneDx
Classification: Uncertain significance. Last evaluated: 2017-09-07. Review status: criteria provided, single submitter. Criteria: GeneDx Variant Classification (06012015). Collection method: clinical testing. Allele origin: germline. Affected: yes.
Comment: The D181G variant in the OPA1 gene has not been reported previously as a pathogenic variant, nor as a benign variant, to our knowledge. The D181G variant is not observed at a significant frequency in large population cohorts (Lek et al., 2016; 1000 Genomes Consortium et al., 2015; Exome Variant Server). The D181G variant is a non-conservative amino acid substitution, which occurs at a position that is not conserved. In silico analysis predicts this variant is probably damaging to the protein structure/function. We interpret D181G as a variant of uncertain significance